The following is an entry in ClinVar:

ClinVar aggregate classification (germline): Conflicting classifications of pathogenicity. Review status: criteria provided, conflicting classifications (1 of 4 stars). 7 submissions from 7 submitters: Uncertain significance (3); Likely benign (2). 2 of the submissions do not count toward it. Last evaluated 2026-01-19.

Conditions:
CPS1-related disorder. Also called: CPS1-related condition.
Congenital hyperammonemia, type I. Also called: Carbamoyl-phosphate synthase I deficiency; CPS I DEFICIENCY; Carbamoyl phosphate synthetase I deficiency disease; Carbamoyl phosphate synthetase 1 deficiency; Hyperammonemia due to carbamoyl phosphate synthetase 1 deficiency; CPS 1 deficiency. Identifiers: Orphanet 147, MedGen C4082171, MONDO:0009376, OMIM 237300.

Allele frequency attached by ClinVar (database versions not stated): TOPMed 0.00045; ESP Exome Variant Server 0.00046; ExAC 0.00084; gnomAD exomes 0.00090 and 0.00102; gnomAD 0.00097 and 0.00102.
gnomAD v4.1: 1,602 of 1,612,740 alleles (0.099%); highest among the groups gnomAD compares: Non-Finnish European, 0.11%; 1 homozygote.

Submissions (7):

Labcorp Genetics (formerly Invitae), Labcorp
Classification: Likely benign for Congenital hyperammonemia, type I. Last evaluated: 2026-01-19. Review status: criteria provided, single submitter. Criteria: Invitae Variant Classification Sherloc (09022015). Collection method: clinical testing. Allele origin: germline.

GeneDx
Classification: Likely benign. Last evaluated: 2020-07-15. Review status: criteria provided, single submitter. Criteria: GeneDx Variant Classification Process June 2021. Collection method: clinical testing. Allele origin: germline. Affected: yes.

CeGaT Center for Human Genetics Tuebingen
Classification: Uncertain significance. Last evaluated: 2019-08-01. Review status: criteria provided, single submitter. Criteria: CeGaT Center For Human Genetics Tuebingen Variant Classification Criteria Version 2. Collection method: clinical testing. Allele origin: germline. Affected: yes. Observed: 1 variant allele.

Eurofins Ntd Llc (ga)
Classification: Uncertain significance. Last evaluated: 2018-02-05. Review status: criteria provided, single submitter. Criteria: EGL Classification Definitions 2015. Collection method: clinical testing. Allele origin: germline. Observed: 1 variant allele, 1 heterozygote.

Illumina Laboratory Services, Illumina
Classification: Uncertain significance for Congenital hyperammonemia, type I. Last evaluated: 2018-01-13. Review status: criteria provided, single submitter. Criteria: ICSL Variant Classification Criteria 13 December 2019. Collection method: clinical testing. Allele origin: germline.

PreventionGenetics, part of Exact Sciences
Classification: Likely benign for CPS1-related condition. Last evaluated: 2022-11-07. Review status: no assertion criteria provided. Collection method: clinical testing. Allele origin: germline. Not counted in ClinVar's aggregate classification.
Comment: This variant is classified as likely benign based on ACMG/AMP sequence variant interpretation guidelines (Richards et al. 2015 PMID: 25741868, with internal and published modifications).

Natera, Inc.
Classification: Uncertain significance for Carbamoyl-phosphate synthase I deficiency. Last evaluated: 2019-11-11. Review status: no assertion criteria provided. Collection method: clinical testing. Allele origin: germline. Not counted in ClinVar's aggregate classification.

NM_001875.5(CPS1):c.637G>A (p.Gly213Ser)

Gene: CPS1 (carbamoyl-phosphate synthase 1; plus strand). Cytogenetic location: 2q34.
Variant type: single nucleotide variant.
Coding change: c.637G>A on transcript NM_001875.5 (MANE Select); coding-DNA position 637, G replaced by A.
Protein change: p.Gly213Ser; replaces glycine 213 with serine.
Molecular consequence: missense variant. On other transcripts: non-coding transcript variant (1).
Genome position (GRCh38, 1-based): chr2:210,588,073, G>A. VCF-style: chr2-210588073-G-A. GRCh37 (hg19) VCF-style: chr2-211452797-G-A.
Other names: c.637G>A (LRG_336t1); c.637G>A, p.Gly213Ser (NM_001122633.3, NM_001369257.1); c.670G>A, p.Gly224Ser (NM_001369256.1); short protein forms G213S, G224S.
Identifiers: ClinVar variation 334015 (VCV000334015.67), dbSNP rs138392504, ClinGen allele CA2086099.